The following is an entry in ClinVar:

NM_007294.4(BRCA1):c.5184G>T (p.Met1728Ile)

Gene: BRCA1 (BRCA1 DNA repair associated; minus strand). Cytogenetic location: 17q21.31.
Variant type: single nucleotide variant.
Coding change: c.5184G>T on transcript NM_007294.4 (MANE Select); coding-DNA position 5184, G replaced by T.
Protein change: p.Met1728Ile; replaces methionine 1728 with isoleucine.
Molecular consequence: missense variant. On other transcripts: non-coding transcript variant (1).
Genome position (GRCh38, 1-based): chr17:43,063,342, C>A on the plus strand (G>T on the coding strand, the complement: BRCA1 is on the minus strand). VCF-style: chr17-43063342-C-A. GRCh37 (hg19) VCF-style: chr17-41215359-C-A.
Other names: c.4971G>T, p.Met1657Ile (NM_001407571.1, NM_001407900.1, NM_001407902.1 and 12 more transcripts); c.5250G>T, p.Met1750Ile (NM_001407581.1, NM_001407582.1); c.5247G>T, p.Met1749Ile (NM_001407583.1, NM_001407585.1, NM_001407587.1 and 1 more transcripts); c.5181G>T, p.Met1727Ile (NM_001407610.1, NM_001407611.1, NM_001407612.1 and 17 more transcripts); c.5178G>T, p.Met1726Ile (NM_001407629.1, NM_001407630.1, NM_001407631.1 and 14 more transcripts); c.5124G>T, p.Met1708Ile (NM_001407649.1); c.5106G>T, p.Met1702Ile (NM_001407652.1, NM_001407653.1, NM_001407654.1 and 1 more transcripts); c.5103G>T, p.Met1701Ile (NM_001407656.1, NM_001407657.1, NM_001407658.1); and 72 more; short protein forms M1749I, M1681I, M624I, M1728I, M1432I, M1599I, M1616I, M1640I.
Identifiers: ClinVar variation 868118 (VCV000868118.3), dbSNP rs2051857855, ClinGen allele CA10591172.

Conditions:
Breast-ovarian cancer, familial, susceptibility to, 1 (BROVCA1). Also called: BRCA1 Hereditary Breast and Ovarian Cancer; OVARIAN CANCER, SUSCEPTIBILITY TO. Identifiers: Orphanet 145, MedGen C2676676, MONDO:0011450, OMIM 604370. Disease mechanism: loss of function.

Submission:

Brotman Baty Institute, University of Washington
No classification provided (evidence only). Condition: Breast-ovarian cancer, familial 1. Review status: no classification provided. Collection method: in vitro. Allele origin: not applicable. Functional consequence: functionally_normal.
ClinVar note: "not provided" was previously submitted as the classification for the variant. However, the classification appeared to be based only on an observation of functional data so it was converted to no classification on 2025-07-30.